The following is an entry in ClinVar:

ClinVar aggregate classification (germline): Benign/Likely benign. Review status: criteria provided, multiple submitters, no conflicts (2 of 4 stars). 2 submissions from 2 submitters: Benign (1); Likely benign (1). Last evaluated 2025-08-05.

Conditions:
Hereditary nonpolyposis colorectal neoplasms. Identifiers: MedGen C0009405, MeSH D003123.
Lynch syndrome 5 (LYNCH5). Also called: Colorectal cancer, hereditary nonpolyposis, type 5; Hereditary non-polyposis colorectal cancer, type 5. Identifiers: Orphanet 144, MedGen C1833477, MONDO:0013710, OMIM 614350. Disease mechanism: loss of function.

Submissions (2):

Labcorp Genetics (formerly Invitae), Labcorp
Classification: Likely benign for Hereditary nonpolyposis colorectal neoplasms. Last evaluated: 2025-08-05. Review status: criteria provided, single submitter. Criteria: Invitae Variant Classification Sherloc (09022015). Collection method: clinical testing. Allele origin: germline.

Myriad Genetics, Inc.
Classification: Benign for Lynch syndrome 5. Last evaluated: 2024-12-30. Review status: criteria provided, single submitter. Criteria: Myriad Autosomal Dominant, Autosomal Recessive and X-Linked Classification Criteria (2023). Collection method: clinical testing. Allele origin: unknown.
Comment: This variant is considered benign. This variant is a silent/synonymous amino acid change and it is not expected to impact splicing.

NM_000179.3(MSH6):c.2262T>C (p.Thr754=)

Gene: MSH6 (mutS homolog 6; plus strand). Cytogenetic location: 2p16.3.
Variant type: single nucleotide variant.
Coding change: c.2262T>C on transcript NM_000179.3 (MANE Select); coding-DNA position 2262, T replaced by C.
Protein change: p.Thr754=; no amino-acid change (threonine 754 retained).
Molecular consequence: synonymous variant.
Genome position (GRCh38, 1-based): chr2:47,800,245, T>C. VCF-style: chr2-47800245-T-C. GRCh37 (hg19) VCF-style: chr2-48027384-T-C.
Other names: c.1872T>C, p.Thr624= (NM_001281492.2); c.1356T>C, p.Thr452= (NM_001281493.2, NM_001281494.2).
Identifiers: ClinVar variation 754135 (VCV000754135.10), dbSNP rs553076837, ClinGen allele CA46710696.